The following is an entry in ClinVar:

ClinVar aggregate classification (germline): Conflicting classifications of pathogenicity. Review status: criteria provided, conflicting classifications (1 of 4 stars). 4 submissions from 4 submitters: Uncertain significance (2); Likely benign (1). 1 of the submissions does not count toward it. Last evaluated 2024-05-04.

Conditions:
Senior-Loken syndrome 4 (SLSN4). Identifiers: Orphanet 3156, MedGen C1846979, MONDO:0011756, OMIM 606996.
Nephronophthisis 4 (NPHP4). Also called: NEPHRONOPHTHISIS 4, JUVENILE. Identifiers: Orphanet 655, MedGen C1847013, MONDO:0011752, OMIM 606966.
NPHP4-related disorder. Also called: NPHP4-related disorders; NPHP4-related condition. Identifiers: MedGen CN239384.
Nephronophthisis. Also called: Juvenile Nephronophthisis. Identifiers: Orphanet 655, MedGen C0687120, MONDO:0019005, HP:0000090.

Allele frequency attached by ClinVar (database versions not stated): gnomAD 0.00001; gnomAD exomes 0.00001; 1000 Genomes Project 30x 0.00016.
gnomAD v4.1: 14 of 1,601,998 alleles (0.00087%); highest among the groups gnomAD compares: Middle Eastern, 0.017%; no homozygotes.

Submissions (4):

Fulgent Genetics
Classification: Uncertain significance for Nephronophthisis 4; Senior-Loken syndrome 4. Last evaluated: 2024-05-04. Review status: criteria provided, single submitter. Criteria: ACMG Guidelines, 2015. Collection method: clinical testing. Allele origin: germline.

Labcorp Genetics (formerly Invitae), Labcorp
Classification: Likely benign for Nephronophthisis. Last evaluated: 2022-11-23. Review status: criteria provided, single submitter. Criteria: Invitae Variant Classification Sherloc (09022015). Collection method: clinical testing. Allele origin: germline.

Blueprint Genetics
Classification: Uncertain significance. Last evaluated: 2021-02-26. Review status: criteria provided, single submitter. Criteria: ACMG Guidelines, 2015. Collection method: clinical testing. Allele origin: germline.

PreventionGenetics, part of Exact Sciences
Classification: Likely benign for NPHP4-related condition. Last evaluated: 2021-11-03. Review status: no assertion criteria provided. Collection method: clinical testing. Allele origin: germline. Not counted in ClinVar's aggregate classification.
Comment: This variant is classified as likely benign based on ACMG/AMP sequence variant interpretation guidelines (Richards et al. 2015 PMID: 25741868, with internal and published modifications).

NM_015102.5(NPHP4):c.2829C>T (p.Ser943=)

Gene: NPHP4 (nephrocystin 4; minus strand). Cytogenetic location: 1p36.31.
Variant type: single nucleotide variant.
Coding change: c.2829C>T on transcript NM_015102.5 (MANE Select); coding-DNA position 2829, C replaced by T.
Protein change: p.Ser943=; no amino-acid change (serine 943 retained).
Molecular consequence: synonymous variant. On other transcripts: non-coding transcript variant (1).
Genome position (GRCh38, 1-based): chr1:5,875,089, G>A on the plus strand (C>T on the coding strand, the complement: NPHP4 is on the minus strand). VCF-style: chr1-5875089-G-A. GRCh37 (hg19) VCF-style: chr1-5935149-G-A.
Other names: c.1290C>T, p.Ser430= (NM_001291593.2); c.1293C>T, p.Ser431= (NM_001291594.2); c.2829C>T (NM_015102.4).
Identifiers: ClinVar variation 1622105 (VCV001622105.12), dbSNP rs180721913, ClinGen allele CA17136612.